The following is an entry in ClinVar:

ClinVar aggregate classification (germline): Uncertain significance (1 of 4 stars; one submission).

Conditions:
Hereditary cancer-predisposing syndrome. Also called: Tumor predisposition; Neoplastic Syndromes, Hereditary; Hereditary neoplastic syndrome; Hereditary Cancer Syndrome. Identifiers: Orphanet 140162, MedGen C0027672, MeSH D009386, MONDO:0015356.

Submission:

Ambry Genetics
Classification: Uncertain significance for Hereditary cancer-predisposing syndrome. Last evaluated: 2025-08-27. Review status: criteria provided, single submitter. Criteria: Ambry Variant Classification Scheme 2023. Collection method: clinical testing. Allele origin: germline.
Comment: The p.S371T variant (also known as c.1112G>C), located in coding exon 12 of the MUTYH gene, results from a G to C substitution at nucleotide position 1112. The serine at codon 371 is replaced by threonine, an amino acid with similar properties. This amino acid position is conserved. In addition, this alteration is predicted to be tolerated by in silico analysis. Based on the available evidence, the clinical significance of this variant remains unclear.

NM_001048174.2(MUTYH):c.1028G>C (p.Ser343Thr)

Gene: MUTYH (mutY DNA glycosylase; minus strand). Cytogenetic location: 1p34.1.
Variant type: single nucleotide variant.
Coding change: c.1028G>C on transcript NM_001048174.2 (MANE Select); coding-DNA position 1028, G replaced by C.
Protein change: p.Ser343Thr; replaces serine 343 with threonine.
Molecular consequence: missense variant. On other transcripts: non-coding transcript variant (7).
Genome position (GRCh38, 1-based): chr1:45,331,735, C>G on the plus strand (G>C on the coding strand, the complement: MUTYH is on the minus strand). VCF-style: chr1-45331735-C-G. GRCh37 (hg19) VCF-style: chr1-45797407-C-G.
Other names: c.1112G>C, p.Ser371Thr (NM_001128425.2); c.1073G>C, p.Ser358Thr (NM_001293190.2); c.1061G>C, p.Ser354Thr (NM_001293191.2, NM_001407069.1, NM_001407077.1); c.752G>C, p.Ser251Thr (NM_001293192.2, NM_001293196.2, NM_001407091.1); c.1028G>C, p.Ser343Thr (NM_001293195.2, NM_001407081.1, NM_001407088.1 and 6 more transcripts); c.683G>C, p.Ser228Thr (NM_001350650.2, NM_001350651.2, NM_001407082.1); c.1070G>C, p.Ser357Thr (NM_001407083.1, NM_001407085.1); c.1031G>C, p.Ser344Thr (NM_001407086.1, NM_001048172.2, NM_001407071.1 and 1 more transcripts); and 5 more; short protein forms S371T, S251T, S315T, S330T, S343T, S344T, S350T, S357T.
Identifiers: ClinVar variation 4113029 (VCV004113029.1).